The following is an entry in ClinVar:

NM_006231.4(POLE):c.4376A>T (p.Glu1459Val)

Gene: POLE (DNA polymerase epsilon, catalytic subunit; minus strand). Cytogenetic location: 12q24.33.
Variant type: single nucleotide variant.
Coding change: c.4376A>T on transcript NM_006231.4 (MANE Select); coding-DNA position 4376, A replaced by T.
Protein change: p.Glu1459Val; replaces glutamic acid 1459 with valine.
Molecular consequence: missense variant.
Genome position (GRCh38, 1-based): chr12:132,643,475, T>A on the plus strand (A>T on the coding strand, the complement: POLE is on the minus strand). VCF-style: chr12-132643475-T-A. GRCh37 (hg19) VCF-style: chr12-133220061-T-A.
Other names: short protein forms E1459V.
Identifiers: ClinVar variation 2982505 (VCV002982505.3), dbSNP rs1450806572, ClinGen allele CA387381220.
Genomic context (GRCh38, chr12:132,643,475, plus strand): 5'-AGGTAGCTGAACTGGGCCAGAGAGCGCATCTCCAGGTGCTCAAGAGCAAAGGTCTCTGCT[T>A]CCCAGCCTGAAAGGTGCCTCACCAGCTGTTTATTGACCACACACACACAGCCCAGGTGCA-3'
Protein context (NP_006222.2, residues 1449-1469): KQLVRHLSGW[Glu1459Val]AETFALEHLE

ClinVar aggregate classification (germline): Uncertain significance (1 of 4 stars; one submission).

Allele frequency attached by ClinVar (database versions not stated): gnomAD 0.00001; TOPMed below 0.00001.
gnomAD v4.1: 1 of 1,614,004 alleles (0.000062%); highest among the groups gnomAD compares: East Asian, 0.0022%; no homozygotes.

Submission:

Labcorp Genetics (formerly Invitae), Labcorp
Classification: Uncertain significance. Last evaluated: 2025-04-08. Review status: criteria provided, single submitter. Criteria: Invitae Variant Classification Sherloc (09022015). Collection method: clinical testing. Allele origin: germline.
Comment: This sequence change replaces glutamic acid, which is acidic and polar, with valine, which is neutral and non-polar, at codon 1459 of the POLE protein (p.Glu1459Val). This variant is not present in population databases (gnomAD no frequency). This variant has not been reported in the literature in individuals affected with POLE-related conditions. ClinVar contains an entry for this variant (Variation ID: 2982505). Invitae Evidence Modeling of protein sequence and biophysical properties (such as structural, functional, and spatial information, amino acid conservation, physicochemical variation, residue mobility, and thermodynamic stability) indicates that this missense variant is not expected to disrupt POLE protein function with a negative predictive value of 80%. In summary, the available evidence is currently insufficient to determine the role of this variant in disease. Therefore, it has been classified as a Variant of Uncertain Significance.